The following is an entry in ClinVar:

NM_001145358.2(SIN3A):c.1909C>T (p.Gln637Ter)

Gene: SIN3A (SIN3 transcription regulator family member A; minus strand). Cytogenetic location: 15q24.2.
Variant type: single nucleotide variant.
Coding change: c.1909C>T on transcript NM_001145358.2 (MANE Select); coding-DNA position 1909, C replaced by T.
Protein change: p.Gln637Ter; replaces glutamine 637 with a stop codon.
Molecular consequence: nonsense.
Genome position (GRCh38, 1-based): chr15:75,396,442, G>A on the plus strand (C>T on the coding strand, the complement: SIN3A is on the minus strand). VCF-style: chr15-75396442-G-A. GRCh37 (hg19) VCF-style: chr15-75688783-G-A.
Other names: c.1909C>T, p.Gln637Ter (NM_001145357.2, NM_001437462.1, NM_001437463.1 and 1 more transcripts); short protein forms Q637*.
Identifiers: ClinVar variation 4085656 (VCV004085656.8).

ClinVar aggregate classification (germline): Pathogenic (1 of 4 stars; one submission).

Submission:

CeGaT Center for Human Genetics Tuebingen
Classification: Pathogenic. Last evaluated: 2025-08-01. Review status: criteria provided, single submitter. Criteria: CeGaT Center For Human Genetics Tuebingen Variant Classification Criteria Version 2. Collection method: clinical testing. Allele origin: germline. Affected: yes. Observed: 1 variant allele.
Comment: SIN3A: PVS1, PM2